The following is an entry in ClinVar:

ClinVar aggregate classification (germline): Pathogenic/Likely pathogenic. Review status: criteria provided, multiple submitters, no conflicts (2 of 4 stars). 2 submissions from 2 submitters: Pathogenic (1); Likely pathogenic (1). Last evaluated 2025-08-22.

Conditions:
Combined oxidative phosphorylation deficiency 35 (COXPD35). Identifiers: MedGen C4693466, MONDO:0054742, OMIM 617873.

Allele frequency attached by ClinVar (database versions not stated): gnomAD exomes below 0.00001.

Submissions (2):

First Genomix Gene Laboratory, Genetic Diagnostics Department
Classification: Likely pathogenic for Combined oxidative phosphorylation deficiency 35. Last evaluated: 2025-08-22. Review status: criteria provided, single submitter. Criteria: ACMG Guidelines, 2015. Collection method: clinical testing. Allele origin: germline. Inheritance: Autosomal recessive inheritance. Affected: no. Observed: 1 variant allele.

Labcorp Genetics (formerly Invitae), Labcorp
Classification: Pathogenic. Last evaluated: 2022-07-05. Review status: criteria provided, single submitter. Criteria: Invitae Variant Classification Sherloc (09022015). Collection method: clinical testing. Allele origin: germline.
Comment: This sequence change creates a premature translational stop signal (p.Arg150*) in the TRIT1 gene. It is expected to result in an absent or disrupted protein product. Loss-of-function variants in TRIT1 are known to be pathogenic (PMID: 24901367, 28185376). This variant is not present in population databases (gnomAD no frequency). This variant has not been reported in the literature in individuals affected with TRIT1-related conditions. For these reasons, this variant has been classified as Pathogenic.

Literature cited by the submitters: PubMed 24901367 (cited by Labcorp Genetics (formerly Invitae), Labcorp); PubMed 28185376 (cited by Labcorp Genetics (formerly Invitae), Labcorp).

NM_017646.6(TRIT1):c.448C>T (p.Arg150Ter)

Gene: TRIT1 (tRNA isopentenyltransferase 1; minus strand). Cytogenetic location: 1p34.2.
Variant type: single nucleotide variant.
Coding change: c.448C>T on transcript NM_017646.6 (MANE Select); coding-DNA position 448, C replaced by T.
Protein change: p.Arg150Ter; replaces arginine 150 with a stop codon.
Molecular consequence: nonsense.
Genome position (GRCh38, 1-based): chr1:39,852,843, G>A on the plus strand (C>T on the coding strand, the complement: TRIT1 is on the minus strand). VCF-style: chr1-39852843-G-A. GRCh37 (hg19) VCF-style: chr1-40318515-G-A.
Other names: c.448C>T, p.Arg150Ter (NM_001312691.2); c.208C>T, p.Arg70Ter (NM_001312692.2); short protein forms R150*, R70*.
Identifiers: ClinVar variation 2150502 (VCV002150502.1), dbSNP rs1030596307, ClinGen allele CA339837524.
Genomic context (GRCh38, chr1:39,852,843, plus strand): 5'-CCACCTGGCTTAGGCGTTTGTGAAGTACAAGACCATCCTCCTTTTCAAGCTCCACTTTTC[G>A]GTCAATCACTTTCTCAGTGCCCATCTCCTGGGGCTATTAAATGATGGTTTAGAAGTATAT-3'